The following is an entry in ClinVar:

NM_002850.4(PTPRS):c.37G>A (p.Val13Ile)

Gene: PTPRS (protein tyrosine phosphatase receptor type S; minus strand). Cytogenetic location: 19p13.3.
Variant type: single nucleotide variant.
Coding change: c.37G>A on transcript NM_002850.4 (MANE Select); coding-DNA position 37, G replaced by A.
Protein change: p.Val13Ile; replaces valine 13 with isoleucine.
Molecular consequence: missense variant.
Genome position (GRCh38, 1-based): chr19:5,286,104, C>T on the plus strand (G>A on the coding strand, the complement: PTPRS is on the minus strand). VCF-style: chr19-5286104-C-T. GRCh37 (hg19) VCF-style: chr19-5286115-C-T.
Other names: c.37G>A, p.Val13Ile (NM_001394011.1, NM_001394012.1, NM_001394013.1 and 3 more transcripts); short protein forms V13I.
Identifiers: ClinVar variation 2636807 (VCV002636807.1), dbSNP rs1463514289, ClinGen allele CA403507626.

ClinVar aggregate classification (germline): Uncertain significance (1 of 4 stars; one submission).

Conditions:
PTPRS-related disorder. Also called: PTPRS-related condition.

Allele frequency attached by ClinVar (database versions not stated): TOPMed below 0.00001; gnomAD exomes 0.00001.
gnomAD v4.1: 8 of 1,614,220 alleles (0.0005%); highest among the groups gnomAD compares: Non-Finnish European, 0.00068%; no homozygotes.

Submission:

PreventionGenetics, part of Exact Sciences
Classification: Uncertain significance for PTPRS-related condition. Last evaluated: 2022-08-21. Review status: criteria provided, single submitter. Criteria: ACMG Guidelines, 2015. Collection method: clinical testing. Allele origin: germline.
Comment: The PTPRS c.37G>A variant is predicted to result in the amino acid substitution p.Val13Ile. To our knowledge, this variant has not been reported in the literature or in a large population database, indicating this variant is rare. At this time, the clinical significance of this variant is uncertain due to the absence of conclusive functional and genetic evidence.